The following is an entry in ClinVar:

ClinVar aggregate classification (germline): Uncertain significance (1 of 4 stars; one submission).

gnomAD v4.1: 6 of 1,605,296 alleles (0.00037%); highest among the groups gnomAD compares: African/African-American, 0.0013%; no homozygotes.

Submission:

Labcorp Genetics (formerly Invitae), Labcorp
Classification: Uncertain significance. Last evaluated: 2020-12-23. Review status: criteria provided, single submitter. Criteria: Invitae Variant Classification Sherloc (09022015). Collection method: clinical testing. Allele origin: germline.
Comment: This variant is not present in population databases (ExAC no frequency). In summary, the available evidence is currently insufficient to determine the role of this variant in disease. Therefore, it has been classified as a Variant of Uncertain Significance. Algorithms developed to predict the effect of missense changes on protein structure and function (SIFT, PolyPhen-2, Align-GVGD) all suggest that this variant is likely to be tolerated, but these predictions have not been confirmed by published functional studies and their clinical significance is uncertain. This variant has not been reported in the literature in individuals with PLK4-related conditions. This sequence change replaces threonine with serine at codon 751 of the PLK4 protein (p.Thr751Ser). The threonine residue is moderately conserved and there is a small physicochemical difference between threonine and serine.

NM_014264.5(PLK4):c.2252C>G (p.Thr751Ser)

Gene: PLK4 (polo like kinase 4; plus strand). Cytogenetic location: 4q28.1.
Variant type: single nucleotide variant.
Coding change: c.2252C>G on transcript NM_014264.5 (MANE Select); coding-DNA position 2252, C replaced by G.
Protein change: p.Thr751Ser; replaces threonine 751 with serine.
Molecular consequence: missense variant.
Genome position (GRCh38, 1-based): chr4:127,893,348, C>G. VCF-style: chr4-127893348-C-G. GRCh37 (hg19) VCF-style: chr4-128814503-C-G.
Other names: c.2156C>G, p.Thr719Ser (NM_001190799.2); c.2129C>G, p.Thr710Ser (NM_001190801.2); short protein forms T710S, T719S, T751S.
Identifiers: ClinVar variation 1496845 (VCV001496845.8), dbSNP rs1205871414, ClinGen allele CA358161241.